The following is an entry in ClinVar:

ClinVar aggregate classification (germline): Benign (0 of 4 stars; one submission).

Conditions:
PDE1C-related disorder. Also called: PDE1C-related condition.

Allele frequency attached by ClinVar (database versions not stated): gnomAD exomes 0.00164; gnomAD 0.00239; TOPMed 0.00292; ExAC 0.00525; 1000 Genomes Project 30x 0.01187; 1000 Genomes Project 0.01238.
gnomAD v4.1: 2,804 of 1,612,688 alleles (0.17%); highest among the groups gnomAD compares: East Asian, 5.2%; 58 homozygotes.

Submission:

PreventionGenetics, part of Exact Sciences
Classification: Benign for PDE1C-related condition. Last evaluated: 2019-09-04. Review status: no assertion criteria provided. Collection method: clinical testing. Allele origin: germline.
Comment: This variant is classified as benign based on ACMG/AMP sequence variant interpretation guidelines (Richards et al. 2015 PMID: 25741868, with internal and published modifications).

NM_001191057.4(PDE1C):c.1912G>A (p.Gly638Ser)

Gene: PDE1C (phosphodiesterase 1C; minus strand). Cytogenetic location: 7p14.3.
Variant type: single nucleotide variant.
Coding change: c.1912G>A on transcript NM_001191057.4 (MANE Select); coding-DNA position 1912, G replaced by A.
Protein change: p.Gly638Ser; replaces glycine 638 with serine.
Molecular consequence: missense variant.
Genome position (GRCh38, 1-based): chr7:31,775,712, C>T on the plus strand (G>A on the coding strand, the complement: PDE1C is on the minus strand). VCF-style: chr7-31775712-C-T. GRCh37 (hg19) VCF-style: chr7-31815326-C-T.
Other names: c.2092G>A, p.Gly698Ser (NM_001191058.4); c.1912G>A, p.Gly638Ser (NM_001191059.4, NM_001322055.2); short protein forms G638S, G698S.
Identifiers: ClinVar variation 3038497 (VCV003038497.2), dbSNP rs74905175, ClinGen allele CA4210680.